The following is an entry in ClinVar:

ClinVar aggregate classification (germline): Conflicting classifications of pathogenicity. Review status: criteria provided, conflicting classifications (1 of 4 stars). 3 submissions from 3 submitters: Uncertain significance (2); Likely benign (1). Last evaluated 2025-02-18.

Conditions:
Cardiovascular phenotype. Identifiers: MedGen CN230736.
Hypertrophic cardiomyopathy 20. Identifiers: MedGen C3151267, MONDO:0013477, OMIM 613876.
Dilated cardiomyopathy 1CC (CMD1CC). Identifiers: Orphanet 154, MedGen C2751084, MONDO:0013147, OMIM 613122.

Allele frequency attached by ClinVar (database versions not stated): ExAC 0.00002; gnomAD exomes 0.00002; gnomAD 0.00010 and 0.00011; TOPMed 0.00010; 1000 Genomes Project 30x 0.00016; ESP Exome Variant Server 0.00017; 1000 Genomes Project 0.00020.
gnomAD v4.1: 32 of 1,613,614 alleles (0.002%); highest among the groups gnomAD compares: African/African-American, 0.033%; no homozygotes.

Submissions (3):

GeneDx
Classification: Uncertain significance. Last evaluated: 2025-02-18. Review status: criteria provided, single submitter. Criteria: GeneDx Variant Classification Process June 2021. Collection method: clinical testing. Allele origin: germline. Affected: yes.
Comment: Has not been previously published as pathogenic or benign to our knowledge; In silico analysis indicates that this missense variant does not alter protein structure/function

Ambry Genetics
Classification: Likely benign for Cardiovascular phenotype. Last evaluated: 2024-11-20. Review status: criteria provided, single submitter. Criteria: Ambry Variant Classification Scheme 2023. Collection method: clinical testing. Allele origin: germline.

Labcorp Genetics (formerly Invitae), Labcorp
Classification: Uncertain significance for Dilated cardiomyopathy 1CC; Hypertrophic cardiomyopathy 20. Last evaluated: 2022-05-18. Review status: criteria provided, single submitter. Criteria: Invitae Variant Classification Sherloc (09022015). Collection method: clinical testing. Allele origin: germline.
Comment: This sequence change replaces isoleucine, which is neutral and non-polar, with asparagine, which is neutral and polar, at codon 301 of the NEXN protein (p.Ile301Asn). This variant is present in population databases (rs373878384, gnomAD 0.02%). This variant has not been reported in the literature in individuals affected with NEXN-related conditions. ClinVar contains an entry for this variant (Variation ID: 409281). Algorithms developed to predict the effect of missense changes on protein structure and function output the following: SIFT: "Tolerated"; PolyPhen-2: "Benign"; Align-GVGD: "Class C0". The asparagine amino acid residue is found in multiple mammalian species, which suggests that this missense change does not adversely affect protein function. In summary, the available evidence is currently insufficient to determine the role of this variant in disease. Therefore, it has been classified as a Variant of Uncertain Significance.

NM_144573.4(NEXN):c.902T>A (p.Ile301Asn)

Gene: NEXN (nexilin F-actin binding protein; plus strand). Cytogenetic location: 1p31.1.
Variant type: single nucleotide variant.
Coding change: c.902T>A on transcript NM_144573.4 (MANE Select); coding-DNA position 902, T replaced by A.
Protein change: p.Ile301Asn; replaces isoleucine 301 with asparagine.
Molecular consequence: missense variant.
Genome position (GRCh38, 1-based): chr1:77,929,353, T>A. VCF-style: chr1-77929353-T-A. GRCh37 (hg19) VCF-style: chr1-78395038-T-A.
Other names: c.710T>A, p.Ile237Asn (NM_001172309.2); short protein forms I301N, I237N.
Identifiers: ClinVar variation 409281 (VCV000409281.13), dbSNP rs373878384, ClinGen allele CA918775.
Genomic context (GRCh38, chr1:77,929,353, plus strand): 5'-TAATGAATTGTTTATTTGGTTAGGTAAATGAAGATGAGGAAAACCAAGACACAGCAAAAA[T>A]TTTTAAAGGGTACCGCCCTGGTAAACTCAAACTCAGTTTTGAAGAAATGGAAAGGCAAAG-3'
Protein context (NP_653174.3, residues 291-311): EDEENQDTAK[Ile301Asn]FKGYRPGKLK